The following is an entry in ClinVar:

ClinVar aggregate classification (germline): Conflicting classifications of pathogenicity. Review status: criteria provided, conflicting classifications (1 of 4 stars). 6 submissions from 6 submitters: Likely pathogenic (1); Likely benign (4). 1 of the submissions does not count toward it. Last evaluated 2026-01-19.

Conditions:
OCA2-related disorder. Also called: OCA2-related condition.
Inborn genetic diseases. Identifiers: MedGen C0950123, MeSH D030342.
Tyrosinase-positive oculocutaneous albinism (OCA2). Also called: ALBINISM II; Oculocutaneous albinism type 2; Albinism, oculocutaneous, type II. Identifiers: Orphanet 79432, MedGen C0268495, MONDO:0008746, OMIM 203200.

Allele frequency attached by ClinVar (database versions not stated): gnomAD 0.00009 and 0.00010; TOPMed 0.00010.
gnomAD v4.1: 91 of 1,613,608 alleles (0.0056%); highest among the groups gnomAD compares: Middle Eastern, 0.033%; no homozygotes.

Submissions (6):

Labcorp Genetics (formerly Invitae), Labcorp
Classification: Likely benign. Last evaluated: 2026-01-19. Review status: criteria provided, single submitter. Criteria: Invitae Variant Classification Sherloc (09022015). Collection method: clinical testing. Allele origin: germline.

CeGaT Center for Human Genetics Tuebingen
Classification: Likely benign. Last evaluated: 2026-01-01. Review status: criteria provided, single submitter. Criteria: CeGaT Center For Human Genetics Tuebingen Variant Classification Criteria Version 2. Collection method: clinical testing. Allele origin: germline. Affected: yes. Observed: 2 variant alleles.
Comment: OCA2: BP4, BP7

Ambry Genetics
Classification: Likely benign for Inborn genetic diseases. Last evaluated: 2025-08-23. Review status: criteria provided, single submitter. Criteria: Ambry Variant Classification Scheme 2023. Collection method: clinical testing. Allele origin: germline.

Laboratoire de Génétique Moléculaire, CHU Bordeaux
Classification: Likely pathogenic for Tyrosinase-positive oculocutaneous albinism. Last evaluated: 2024-09-02. Review status: criteria provided, single submitter. Criteria: ACMG Guidelines, 2015. Collection method: clinical testing. Allele origin: germline. Inheritance: Autosomal recessive inheritance. Affected: yes.
Comment: Test in minigene showed a pathologic increase in exon 10 skipping.

Blueprint Genetics
Classification: Likely benign. Last evaluated: 2024-08-29. Review status: criteria provided, single submitter. Criteria: ACMG Guidelines, 2015. Collection method: clinical testing. Allele origin: germline.

PreventionGenetics, part of Exact Sciences
Classification: Likely benign for OCA2-related condition. Last evaluated: 2020-05-29. Review status: no assertion criteria provided. Collection method: clinical testing. Allele origin: germline. Not counted in ClinVar's aggregate classification.
Comment: This variant is classified as likely benign based on ACMG/AMP sequence variant interpretation guidelines (Richards et al. 2015 PMID: 25741868, with internal and published modifications).

NM_000275.3(OCA2):c.1047C>T (p.Ile349=)

Gene: OCA2 (OCA2 melanosomal transmembrane protein; minus strand). Cytogenetic location: 15q13.1.
Variant type: single nucleotide variant.
Coding change: c.1047C>T on transcript NM_000275.3 (MANE Select); coding-DNA position 1047, C replaced by T.
Protein change: p.Ile349=; no amino-acid change (isoleucine 349 retained).
Molecular consequence: synonymous variant. On other transcripts: intron variant (1).
Genome position (GRCh38, 1-based): chr15:27,990,645, G>A on the plus strand (C>T on the coding strand, the complement: OCA2 is on the minus strand). VCF-style: chr15-27990645-G-A. GRCh37 (hg19) VCF-style: chr15-28235791-G-A.
Other names: c.1045-979C>T (NM_001300984.2).
Identifiers: ClinVar variation 255715 (VCV000255715.39), dbSNP rs767182132, ClinGen allele CA7439229.
Genomic context (GRCh38, chr15:27,990,645, plus strand): 5'-CACAGCCAGTGCTGCCAGTGCTGCAAGGGAACCCAGCATGGCCGCCAGAGTTCTGTGCAC[G>A]ATCTGGAAAGAAGCACAGGAAATTACCGCGTTCCAGTGCACGAGGGAGTTAGCACACACG-3'
Protein context (NP_000266.2, residues 339-359): AGVYALIIFE[Ile349=]VHRTLAAMLG